The following is an entry in ClinVar:

ClinVar aggregate classification (germline): Uncertain significance (1 of 4 stars; one submission).

Conditions:
Hepatic methionine adenosyltransferase deficiency. Also called: MAT I/III DEFICIENCY; Methionine adenosyltransferase deficiency; Deficiency of methionine adenosyltransferase; Isolated Persistent Hypermethioninemia. Identifiers: Orphanet 168598, MedGen C0268621, MeSH C564683, MONDO:0009607, OMIM 250850.

Allele frequency attached by ClinVar (database versions not stated): gnomAD exomes below 0.00001.

Submission:

Labcorp Genetics (formerly Invitae), Labcorp
Classification: Uncertain significance for Hepatic methionine adenosyltransferase deficiency. Last evaluated: 2022-09-07. Review status: criteria provided, single submitter. Criteria: Invitae Variant Classification Sherloc (09022015). Collection method: clinical testing. Allele origin: germline.
Comment: This variant has not been reported in the literature in individuals affected with MAT1A-related conditions. This variant is not present in population databases (gnomAD no frequency). This sequence change replaces serine, which is neutral and polar, with tyrosine, which is neutral and polar, at codon 12 of the MAT1A protein (p.Ser12Tyr). Algorithms developed to predict the effect of missense changes on protein structure and function are either unavailable or do not agree on the potential impact of this missense change (SIFT: "Deleterious"; PolyPhen-2: "Benign"; Align-GVGD: "Class C0"). In summary, the available evidence is currently insufficient to determine the role of this variant in disease. Therefore, it has been classified as a Variant of Uncertain Significance.

NM_000429.3(MAT1A):c.35C>A (p.Ser12Tyr)

Gene: MAT1A (methionine adenosyltransferase 1A; minus strand). Cytogenetic location: 10q22.3.
Variant type: single nucleotide variant.
Coding change: c.35C>A on transcript NM_000429.3 (MANE Select); coding-DNA position 35, C replaced by A.
Protein change: p.Ser12Tyr; replaces serine 12 with tyrosine.
Molecular consequence: missense variant.
Genome position (GRCh38, 1-based): chr10:80,289,389, G>T on the plus strand (C>A on the coding strand, the complement: MAT1A is on the minus strand). VCF-style: chr10-80289389-G-T. GRCh37 (hg19) VCF-style: chr10-82049145-G-T.
Other names: short protein forms S12Y.
Identifiers: ClinVar variation 2095994 (VCV002095994.4), dbSNP rs1163983109, ClinGen allele CA377364982.
Genomic context (GRCh38, chr10:80,289,389, plus strand): 5'-TTACCCGGGTGTCCCTCTCCCACAGACTCCGATGTGAACATGAAGACTCCTTCACTTAGA[G>T]AGTGGTCACACAAGCCATCCACCGGTCCATTCATCTTCTCACACTTCTCCACTCACGCTT-3'
Protein context (NP_000420.1, residues 2-22): NGPVDGLCDH[Ser12Tyr]LSEGVFMFTS